The following is an entry in ClinVar:

ClinVar aggregate classification (germline): Uncertain significance (1 of 4 stars; one submission).

Submission:

Labcorp Genetics (formerly Invitae), Labcorp
Classification: Uncertain significance. Last evaluated: 2024-03-15. Review status: criteria provided, single submitter. Criteria: Invitae Variant Classification Sherloc (09022015). Collection method: clinical testing. Allele origin: germline.
Comment: This sequence change affects an acceptor splice site in intron 1 of the LMNB1 gene. It is expected to disrupt RNA splicing. Variants that disrupt the donor or acceptor splice site typically lead to a loss of protein function (PMID: 16199547), however the current clinical and genetic evidence is not sufficient to establish whether loss-of-function variants in LMNB1 cause disease. This variant is not present in population databases (gnomAD no frequency). This variant has not been reported in the literature in individuals affected with LMNB1-related conditions. Algorithms developed to predict the effect of sequence changes on RNA splicing suggest that this variant may disrupt the consensus splice site. In summary, the available evidence is currently insufficient to determine the role of this variant in disease. Therefore, it has been classified as a Variant of Uncertain Significance.

Literature cited by the submitters: PubMed 16199547.

NM_005573.4(LMNB1):c.360-2A>G

Gene: LMNB1 (lamin B1; plus strand). Cytogenetic location: 5q23.2.
Variant type: single nucleotide variant.
Coding change: c.360-2A>G on transcript NM_005573.4 (MANE Select); the canonical splice acceptor site of the intron before coding-DNA position 360, A replaced by G.
Molecular consequence: splice acceptor variant.
Genome position (GRCh38, 1-based): chr5:126,804,774, A>G. VCF-style: chr5-126804774-A-G. GRCh37 (hg19) VCF-style: chr5-126140466-A-G.
Other names: c.-271-2A>G (NM_001198557.2).
Identifiers: ClinVar variation 3640792 (VCV003640792.2).